The following is an entry in ClinVar:

ClinVar aggregate classification (germline): Uncertain significance. Review status: criteria provided, multiple submitters, no conflicts (2 of 4 stars). 2 submissions from 2 submitters: Uncertain significance (2). Last evaluated 2024-09-10.

Conditions:
Anemia, nonspherocytic hemolytic, due to G6PD deficiency (CNSHA1). Also called: Class I glucose-6-phosphate dehydrogenase deficiency; Favism, susceptibility to; ANEMIA, CONGENITAL, NONSPHEROCYTIC HEMOLYTIC, 1; Hemolytic anemia due to G6PD deficiency. Identifiers: Orphanet 466026, MedGen C2720289, MONDO:0010480, OMIM 300908.

Allele frequency attached by ClinVar (database versions not stated): TOPMed below 0.00001; ExAC 0.00001; gnomAD exomes 0.00001.
gnomAD v4.1: 11 of 1,211,670 alleles (0.00091%); highest among the groups gnomAD compares: East Asian, 0.003%; no homozygotes.

Submissions (2):

GeneDx
Classification: Uncertain significance. Last evaluated: 2024-09-10. Review status: criteria provided, single submitter. Criteria: GeneDx Variant Classification Process June 2021. Collection method: clinical testing. Allele origin: germline. Affected: yes.
Comment: Not observed at significant frequency in large population cohorts (gnomAD); In silico analysis supports that this missense variant has a deleterious effect on protein structure/function; Has not been previously published as pathogenic or benign to our knowledge

Labcorp Genetics (formerly Invitae), Labcorp
Classification: Uncertain significance for Anemia, nonspherocytic hemolytic, due to G6PD deficiency. Last evaluated: 2023-11-24. Review status: criteria provided, single submitter. Criteria: Invitae Variant Classification Sherloc (09022015). Collection method: clinical testing. Allele origin: germline.
Comment: This sequence change replaces valine, which is neutral and non-polar, with methionine, which is neutral and non-polar, at codon 169 of the G6PD protein (p.Val169Met). This variant is present in population databases (rs782436684, gnomAD 0.004%). This variant has not been reported in the literature in individuals affected with G6PD-related conditions. Advanced modeling of protein sequence and biophysical properties (such as structural, functional, and spatial information, amino acid conservation, physicochemical variation, residue mobility, and thermodynamic stability) performed at Invitae indicates that this missense variant is expected to disrupt G6PD protein function with a positive predictive value of 95%. In summary, the available evidence is currently insufficient to determine the role of this variant in disease. Therefore, it has been classified as a Variant of Uncertain Significance.

NM_001360016.2(G6PD):c.505G>A (p.Val169Met)

Gene: G6PD (glucose-6-phosphate dehydrogenase; minus strand). Cytogenetic location: Xq28.
Variant type: single nucleotide variant.
Coding change: c.505G>A on transcript NM_001360016.2 (MANE Select); coding-DNA position 505, G replaced by A.
Protein change: p.Val169Met; replaces valine 169 with methionine.
Molecular consequence: missense variant.
Genome position (GRCh38, 1-based): chrX:154,534,477, C>T on the plus strand (G>A on the coding strand, the complement: G6PD is on the minus strand). VCF-style: chrX-154534477-C-T. GRCh37 (hg19) VCF-style: chrX-153762692-C-T.
Other names: c.505G>A (NM_001042351.1); c.595G>A, p.Val199Met (NM_000402.4); c.505G>A, p.Val169Met (NM_001042351.3); short protein forms V169M, V199M.
Identifiers: ClinVar variation 3014863 (VCV003014863.4), dbSNP rs782436684, ClinGen allele CA10566224.
Genomic context (GRCh38, chrX:154,534,477, plus strand): 5'-AGGAGATGTGGTTGGACAGCCGGTCAGAGCTCTGCAGGTCCCTCCCGAAGGGCTTCTCCA[C>T]GATGATGCGGTTCCAGCCTCTGCTGGGAGCCCGGAGCTGCGTTACCCCCTTGAACCCCTC-3'
Protein context (NP_001346945.1, residues 159-179): MSQIGWNRII[Val169Met]EKPFGRDLQS